The following is an entry in ClinVar:

NM_170606.3(KMT2C):c.11171_11174delinsTGAG (p.Glu3724_Thr3725delinsValArg)

Gene: KMT2C (lysine methyltransferase 2C; minus strand). Cytogenetic location: 7q36.1.
Variant type: Indel.
Coding change: c.11171_11174delinsTGAG on transcript NM_170606.3 (MANE Select); coding-DNA positions 11171 to 11174, AGAC replaced by TGAG.
Protein change: p.Glu3724_Thr3725delinsValArg.
Molecular consequence: missense variant.
Genome position (GRCh38, 1-based): chr7:152,162,403-152,162,406, GTCT replaced by CTCA on the plus strand (AGAC replaced by TGAG on the coding strand, the reverse complement: KMT2C is on the minus strand). VCF-style: chr7-152162403-GTCT-CTCA. GRCh37 (hg19) VCF-style: chr7-151859488-GTCT-CTCA.
Identifiers: ClinVar variation 3251282 (VCV003251282.1), dbSNP rs2487685495.

ClinVar aggregate classification (germline): Uncertain significance (1 of 4 stars; one submission).

Submission:

Women's Health and Genetics/Laboratory Corporation of America, LabCorp
Classification: Uncertain significance. Last evaluated: 2024-04-29. Review status: criteria provided, single submitter. Criteria: LabCorp Variant Classification Summary - May 2015. Collection method: clinical testing. Allele origin: germline.
Comment: Variant summary: KMT2C c.11171_11174delinsTGAG (p.Glu3724_Thr3725delinsValArg) results in an in-frame deletion-insertion that is predicted to delete two amino acids from the protein and also insert two different amino acids. The variant was absent in 1461894 control chromosomes. The available data on variant occurrences in the general population are insufficient to allow any conclusion about variant significance. To our knowledge, no occurrence of c.11171_11174delinsTGAG in individuals affected with Kleefstra Syndrome 2 and no experimental evidence demonstrating its impact on protein function have been reported. No submitters have cited clinical-significance assessments for this variant to ClinVar. Based on the evidence outlined above, the variant was classified as uncertain significance.